The following is an entry in ClinVar:

NM_001291415.2(KDM6A):c.2493G>A (p.Gln831=)

Gene: KDM6A (lysine demethylase 6A; plus strand). Cytogenetic location: Xp11.3.
Variant type: single nucleotide variant.
Coding change: c.2493G>A on transcript NM_001291415.2 (MANE Select); coding-DNA position 2493, G replaced by A.
Protein change: p.Gln831=; no amino-acid change (glutamine 831 retained).
Molecular consequence: synonymous variant. On other transcripts: non-coding transcript variant (1).
Genome position (GRCh38, 1-based): chrX:45,069,992, G>A. VCF-style: chrX-45069992-G-A. GRCh37 (hg19) VCF-style: chrX-44929237-G-A.
Other names: c.2391G>A, p.Gln797= (NM_001419810.1, NM_001419813.1); c.2358G>A, p.Gln786= (NM_001419811.1, NM_001291416.2); c.2337G>A, p.Gln779= (NM_001419812.1, NM_021140.4); c.2235G>A, p.Gln745= (NM_001419814.1, NM_001410742.1); c.2100G>A, p.Gln700= (NM_001419815.1, NM_001291418.2); c.2202G>A, p.Gln734= (NM_001291417.2); c.1449G>A, p.Gln483= (NM_001291421.2); c.2493G>A, p.Gln831= (NM_001419809.1).
Identifiers: ClinVar variation 2660373 (VCV002660373.24), dbSNP rs2148047593, ClinGen allele CA516350068.

ClinVar aggregate classification (germline): Uncertain significance (1 of 4 stars; one submission).

Submission:

CeGaT Center for Human Genetics Tuebingen
Classification: Uncertain significance. Last evaluated: 2022-08-01. Review status: criteria provided, single submitter. Criteria: CeGaT Center For Human Genetics Tuebingen Variant Classification Criteria Version 2. Collection method: clinical testing. Allele origin: germline. Affected: yes. Observed: 1 variant allele.
Comment: KDM6A: PM2:Supporting, BP4